The following is an entry in ClinVar:

ClinVar aggregate classification (germline): Uncertain significance (1 of 4 stars; one submission).

Conditions:
Primary ciliary dyskinesia. Also called: Ciliary dyskinesia. Identifiers: Orphanet 244, MedGen C0008780, MONDO:0016575, HP:0012265.

gnomAD v4.1: 12 of 1,582,766 alleles (0.00076%); highest among the groups gnomAD compares: Admixed American, 0.0019%; no homozygotes.

Submission:

Ambry Genetics
Classification: Uncertain significance for Primary ciliary dyskinesia. Last evaluated: 2024-11-10. Review status: criteria provided, single submitter. Criteria: Ambry Variant Classification Scheme 2023. Collection method: clinical testing. Allele origin: germline.
Comment: The p.R211S variant (also known as c.631C>A), located in coding exon 6 of the SPAG1 gene, results from a C to A substitution at nucleotide position 631. The arginine at codon 211 is replaced by serine, an amino acid with dissimilar properties. This amino acid position is conserved. In addition, this alteration is predicted to be tolerated by in silico analysis. Based on the available evidence, the clinical significance of this variant remains unclear.

NM_003114.5(SPAG1):c.631C>A (p.Arg211Ser)

Gene: SPAG1 (sperm associated antigen 1; plus strand). Cytogenetic location: 8q22.2.
Variant type: single nucleotide variant.
Coding change: c.631C>A on transcript NM_003114.5 (MANE Select); coding-DNA position 631, C replaced by A.
Protein change: p.Arg211Ser; replaces arginine 211 with serine.
Molecular consequence: missense variant.
Genome position (GRCh38, 1-based): chr8:100,184,663, C>A. VCF-style: chr8-100184663-C-A. GRCh37 (hg19) VCF-style: chr8-101196891-C-A.
Other names: c.631C>A, p.Arg211Ser (NM_001374321.1, NM_172218.3); short protein forms R211S.
Identifiers: ClinVar variation 3447677 (VCV003447677.1).